The following is an entry in ClinVar:

ClinVar aggregate classification (germline): Uncertain significance (1 of 4 stars; one submission).

Submission:

Ambry Genetics
Classification: Uncertain significance. Last evaluated: 2024-03-27. Review status: criteria provided, single submitter. Criteria: Ambry Variant Classification Scheme 2023. Collection method: clinical testing. Allele origin: germline.
Comment: The p.S527C variant (also known as c.1580C>G), located in coding exon 13 of the NPAT gene, results from a C to G substitution at nucleotide position 1580. The serine at codon 527 is replaced by cysteine, an amino acid with dissimilar properties. This amino acid position is conserved. In addition, this alteration is predicted to be tolerated by in silico analysis. Based on the available evidence, the clinical significance of this alteration remains unclear.

NM_002519.3(NPAT):c.1580C>G (p.Ser527Cys)

Gene: NPAT (nuclear protein, coactivator of histone transcription; minus strand). Cytogenetic location: 11q22.3.
Variant type: single nucleotide variant.
Coding change: c.1580C>G on transcript NM_002519.3 (MANE Select); coding-DNA position 1580, C replaced by G.
Protein change: p.Ser527Cys; replaces serine 527 with cysteine.
Molecular consequence: missense variant.
Genome position (GRCh38, 1-based): chr11:108,173,404, G>C on the plus strand (C>G on the coding strand, the complement: NPAT is on the minus strand). VCF-style: chr11-108173404-G-C. GRCh37 (hg19) VCF-style: chr11-108044131-G-C.
Other names: c.1580C>G, p.Ser527Cys (NM_001321307.1); short protein forms S527C.
Identifiers: ClinVar variation 3300650 (VCV003300650.1).